The following is an entry in ClinVar:

NM_133259.4(LRPPRC):c.3809C>T (p.Ala1270Val)

Gene: LRPPRC (leucine rich pentatricopeptide repeat containing; minus strand). Cytogenetic location: 2p21.
Variant type: single nucleotide variant.
Coding change: c.3809C>T on transcript NM_133259.4 (MANE Select); coding-DNA position 3809, C replaced by T.
Protein change: p.Ala1270Val; replaces alanine 1270 with valine.
Molecular consequence: missense variant.
Genome position (GRCh38, 1-based): chr2:43,899,235, G>A on the plus strand (C>T on the coding strand, the complement: LRPPRC is on the minus strand). VCF-style: chr2-43899235-G-A. GRCh37 (hg19) VCF-style: chr2-44126374-G-A.
Other names: short protein forms A1270V.
Identifiers: ClinVar variation 214617 (VCV000214617.2), dbSNP rs863224058, ClinGen allele CA324474.
Genomic context (GRCh38, chr2:43,899,235, plus strand): 5'-TGCAAGCCTCGAGCCCCACTGCTCCATGAGTGGAGGGTCATTACCTGTAGGAGAGCTCTG[G>A]CATCATCCACCTTGCCTGCATCCACAAGTTGAAGGAAAAAATCAGTGACAGGTTTATAAA-3'
Protein context (NP_573566.2, residues 1260-1280): QLVDAGKVDD[Ala1270Val]RALLQRCGAI

ClinVar aggregate classification (germline): Likely pathogenic (1 of 4 stars; one submission).

Submission:

GeneDx
Classification: Likely pathogenic. Last evaluated: 2018-12-24. Review status: criteria provided, single submitter. Criteria: GeneDx Variant Classification (06012015). Collection method: clinical testing. Allele origin: germline. Affected: yes.
Comment: p.Ala1270Val (GCC>GTC): c.3809 C>T in exon 34 in the LRPPRC gene (NM_133259.3). The A1270V variant in the LRPPRC gene has not been published as a mutation, nor has it been reported as a benign polymorphism to our knowledge. The A1270V variant was not observed in approximately 6,500 individuals of European and African American ancestry in the NHLBI Exome Sequencing Project, indicating it is not a common benign variant in these populations. The A1270V variant is a conservative amino acid substitution, which is not likely to impact secondary protein structure as these residues share similar properties. This substitution occurs at a position that is well-conserved across species. In silico analysis predicts this variant is probably damaging to the protein structure/function. The A1270V variant is a good candidate for a disease-causing mutation, which may be related to the reported complex I deficiency and history of elevated lactate through disruption of mitochondrial super-complex organization (Lenaz et al., 2010). The variant is found in LRPPRC,LRPPRC, panel(s).